The following is an entry in ClinVar:

NM_014714.4(IFT140):c.1999C>G (p.Gln667Glu)

Gene: IFT140 (intraflagellar transport 140; minus strand). Cytogenetic location: 16p13.3.
Variant type: single nucleotide variant.
Coding change: c.1999C>G on transcript NM_014714.4 (MANE Select); coding-DNA position 1999, C replaced by G.
Protein change: p.Gln667Glu; replaces glutamine 667 with glutamic acid.
Molecular consequence: missense variant.
Genome position (GRCh38, 1-based): chr16:1,564,065, G>C on the plus strand (C>G on the coding strand, the complement: IFT140 is on the minus strand). VCF-style: chr16-1564065-G-C. GRCh37 (hg19) VCF-style: chr16-1614066-G-C.
Other names: c.1999C>G (NM_014714.3); short protein forms Q667E.
Identifiers: ClinVar variation 1423783 (VCV001423783.4), dbSNP rs753128503, ClinGen allele CA7814053.
Genomic context (GRCh38, chr16:1,564,065, plus strand): 5'-CAGCGCGCCCATCTTGGGGCTGCCCGTTTGCAGACTGAGGCTGGGAGCGCGGCGTCTCCT[G>C]CACGGCTTCGCATACAAACAGCCGGGGCTCACTCTGGTCCCAGAAGTGGTTCACGGGAAC-3'
Protein context (NP_055529.2, residues 657-677): EPRLFVCEAV[Gln667Glu]ETPRSQPQSA

ClinVar aggregate classification (germline): Uncertain significance. Review status: criteria provided, multiple submitters, no conflicts (2 of 4 stars). 2 submissions from 2 submitters: Uncertain significance (2). Last evaluated 2024-11-27.

Conditions:
Saldino-Mainzer syndrome (SRTD9). Also called: Renal dysplasia, retinal pigmentary dystrophy, cerebellar ataxia and skeletal dysplasia; CONORENAL SYNDROME; SHORT-RIB THORACIC DYSPLASIA 9 WITHOUT POLYDACTYLY; short-rib thoracic dysplasia 9 with or without polydactyly. Identifiers: Orphanet 140969, MedGen C1849437, MONDO:0009964, OMIM 266920.

Allele frequency attached by ClinVar (database versions not stated): ExAC 0.00001; gnomAD 0.00001 and 0.00002; gnomAD exomes 0.00001 and 0.00002.
gnomAD v4.1: 9 of 1,604,754 alleles (0.00056%); highest among the groups gnomAD compares: Admixed American, 0.0067%; no homozygotes.

Submissions (2):

GeneDx
Classification: Uncertain significance. Last evaluated: 2024-11-27. Review status: criteria provided, single submitter. Criteria: GeneDx Variant Classification Process June 2021. Collection method: clinical testing. Allele origin: germline. Affected: yes.
Comment: Not observed at significant frequency in large population cohorts (gnomAD); In silico analysis indicates that this missense variant does not alter protein structure/function; Has not been previously published as pathogenic or benign to our knowledge

Labcorp Genetics (formerly Invitae), Labcorp
Classification: Uncertain significance for Saldino-Mainzer syndrome. Last evaluated: 2022-09-27. Review status: criteria provided, single submitter. Criteria: Invitae Variant Classification Sherloc (09022015). Collection method: clinical testing. Allele origin: germline.
Comment: This sequence change replaces glutamine, which is neutral and polar, with glutamic acid, which is acidic and polar, at codon 667 of the IFT140 protein (p.Gln667Glu). This variant is present in population databases (rs753128503, gnomAD 0.006%). This variant has not been reported in the literature in individuals affected with IFT140-related conditions. ClinVar contains an entry for this variant (Variation ID: 1423783). Advanced modeling of protein sequence and biophysical properties (such as structural, functional, and spatial information, amino acid conservation, physicochemical variation, residue mobility, and thermodynamic stability) performed at Invitae indicates that this missense variant is not expected to disrupt IFT140 protein function. In summary, the available evidence is currently insufficient to determine the role of this variant in disease. Therefore, it has been classified as a Variant of Uncertain Significance.